The following is an entry in ClinVar:

NM_000052.7(ATP7A):c.1544-811T>C

Gene: ATP7A (ATPase copper transporting alpha; plus strand). Cytogenetic location: Xq21.1.
Variant type: single nucleotide variant.
Coding change: c.1544-811T>C on transcript NM_000052.7 (MANE Select); 811 bases into the intron before coding-DNA position 1544, T replaced by C.
Molecular consequence: intron variant.
Genome position (GRCh38, 1-based): chrX:78,002,262, T>C. VCF-style: chrX-78002262-T-C. GRCh37 (hg19) VCF-style: chrX-77257759-T-C.
Other names: c.1544-811T>C (NM_001282224.2).
Identifiers: ClinVar variation 5039748 (VCV005039748.1).

ClinVar aggregate classification (germline): Likely benign (1 of 4 stars; one submission).

gnomAD v4.1: 118 of 106,239 alleles (0.11%); highest among the groups gnomAD compares: African/African-American, 0.38%; 1 homozygote.

Submission:

CeGaT Center for Human Genetics Tuebingen
Classification: Likely benign. Last evaluated: 2026-08-01. Review status: criteria provided, single submitter. Criteria: CeGaT Center For Human Genetics Tuebingen Variant Classification Criteria Version 2. Collection method: clinical testing. Allele origin: germline. Affected: yes. Observed: 1 variant allele.
Comment: ATP7A: BP4, BS2